The following is an entry in ClinVar:

ClinVar aggregate classification (germline): Uncertain significance (1 of 4 stars; one submission).

Conditions:
Hereditary cancer-predisposing syndrome. Also called: Hereditary Cancer Syndrome; Hereditary neoplastic syndrome; Tumor predisposition; Neoplastic Syndromes, Hereditary. Identifiers: Orphanet 140162, MedGen C0027672, MeSH D009386, MONDO:0015356.

Submission:

Ambry Genetics
Classification: Uncertain significance for Hereditary cancer-predisposing syndrome. Last evaluated: 2022-02-13. Review status: criteria provided, single submitter. Criteria: Ambry Variant Classification Scheme 2023. Collection method: clinical testing. Allele origin: germline.
Comment: The p.S8N variant (also known as c.23G>A), located in coding exon 1 of the RAD50 gene, results from a G to A substitution at nucleotide position 23. The serine at codon 8 is replaced by asparagine, an amino acid with highly similar properties. This amino acid position is conserved. In addition, this alteration is predicted to be tolerated by in silico analysis. Since supporting evidence is limited at this time, the clinical significance of this alteration remains unclear.

NM_005732.4(RAD50):c.23G>A (p.Ser8Asn)

Gene: RAD50 (RAD50 double strand break repair protein; plus strand). Cytogenetic location: 5q31.1.
Variant type: single nucleotide variant.
Coding change: c.23G>A on transcript NM_005732.4 (MANE Select); coding-DNA position 23, G replaced by A.
Protein change: p.Ser8Asn; replaces serine 8 with asparagine.
Molecular consequence: missense variant.
Genome position (GRCh38, 1-based): chr5:132,557,347, G>A. VCF-style: chr5-132557347-G-A. GRCh37 (hg19) VCF-style: chr5-131893039-G-A.
Other names: short protein forms S8N.
Identifiers: ClinVar variation 1790715 (VCV001790715.2), dbSNP rs2479573824, ClinGen allele CA360950818.